The following is an entry in ClinVar:

ClinVar aggregate classification (germline): Uncertain significance (1 of 4 stars; one submission).

gnomAD v4.1: 2 of 1,535,688 alleles (0.00013%); highest among the groups gnomAD compares: Non-Finnish European, 0.00018%; no homozygotes.

Submission:

Labcorp Genetics (formerly Invitae), Labcorp
Classification: Uncertain significance. Last evaluated: 2024-05-16. Review status: criteria provided, single submitter. Criteria: Invitae Variant Classification Sherloc (09022015). Collection method: clinical testing. Allele origin: germline.
Comment: This sequence change affects codon 543 of the LAMC3 mRNA. It is a 'silent' change, meaning that it does not change the encoded amino acid sequence of the LAMC3 protein. It affects a nucleotide within the consensus splice site. This variant is not present in population databases (gnomAD no frequency). This variant has not been reported in the literature in individuals affected with LAMC3-related conditions. Algorithms developed to predict the effect of sequence changes on RNA splicing suggest that this variant may disrupt the consensus splice site. In summary, the available evidence is currently insufficient to determine the role of this variant in disease. Therefore, it has been classified as a Variant of Uncertain Significance.

NM_006059.4(LAMC3):c.1629A>G (p.Pro543=)

Gene: LAMC3 (laminin subunit gamma 3; plus strand). Cytogenetic location: 9q34.12.
Variant type: single nucleotide variant.
Coding change: c.1629A>G on transcript NM_006059.4 (MANE Select); coding-DNA position 1629, A replaced by G.
Protein change: p.Pro543=; no amino-acid change (proline 543 retained).
Molecular consequence: synonymous variant.
Genome position (GRCh38, 1-based): chr9:131,049,129, A>G. VCF-style: chr9-131049129-A-G. GRCh37 (hg19) VCF-style: chr9-133924516-A-G.
Identifiers: ClinVar variation 3653592 (VCV003653592.2).